The following is an entry in ClinVar:

NM_001148.6(ANK2):c.7028T>C (p.Leu2343Pro)

Genes: ANK2 (ankyrin 2; plus strand), LOC126807137 (CDK7 strongly-dependent group 2 enhancer GRCh37_chr4:114276560-114277759; plus strand). Cytogenetic location: 4q26.
Variant type: single nucleotide variant.
Coding change: c.7028T>C on transcript NM_001148.6 (MANE Select); coding-DNA position 7028, T replaced by C.
Protein change: p.Leu2343Pro; replaces leucine 2343 with proline.
Molecular consequence: missense variant. On other transcripts: intron variant (68).
Genome position (GRCh38, 1-based): chr4:113,355,646, T>C. VCF-style: chr4-113355646-T-C. GRCh37 (hg19) VCF-style: chr4-114276802-T-C.
Other names: c.4424-5177T>C (NM_001354235.2, NM_001354246.2, NM_001354265.2); c.4472-5177T>C (NM_001386144.1, NM_001354240.2, NM_001354241.2); c.1991-5177T>C (NM_001354279.2, NM_001354282.2); c.1955-5177T>C (NM_001354281.2, NM_001354278.2); c.827-5177T>C (NM_001386167.1); c.4427-5177T>C (NM_020977.5); c.4484-5177T>C (NM_001386152.1); c.4505-5177T>C (NM_001354237.2); and 35 more; short protein forms L2343P, L2390P, L2265P, L2382P, L1143P.
Identifiers: ClinVar variation 3716813 (VCV003716813.2).

ClinVar aggregate classification (germline): Uncertain significance (1 of 4 stars; one submission).

Conditions:
Long QT syndrome (LQTS). Identifiers: MedGen C0023976, MeSH D008133, MONDO:0002442. Disease mechanism: loss of function. Inheritance: Various modes of inheritance.

gnomAD v4.1: 26 of 1,614,076 alleles (0.0016%); highest among the groups gnomAD compares: South Asian, 0.023%; no homozygotes.

Submission:

Labcorp Genetics (formerly Invitae), Labcorp
Classification: Uncertain significance for Long QT syndrome. Last evaluated: 2024-02-05. Review status: criteria provided, single submitter. Criteria: Invitae Variant Classification Sherloc (09022015). Collection method: clinical testing. Allele origin: germline.
Comment: This sequence change replaces leucine, which is neutral and non-polar, with proline, which is neutral and non-polar, at codon 2343 of the ANK2 protein (p.Leu2343Pro). This variant is present in population databases (rs768742426, gnomAD 0.02%). This variant has not been reported in the literature in individuals affected with ANK2-related conditions. Algorithms developed to predict the effect of missense changes on protein structure and function output the following: SIFT: "Not Available"; PolyPhen-2: "Benign"; Align-GVGD: "Not Available". The proline amino acid residue is found in multiple mammalian species, which suggests that this missense change does not adversely affect protein function. In summary, the available evidence is currently insufficient to determine the role of this variant in disease. Therefore, it has been classified as a Variant of Uncertain Significance.